The following is an entry in ClinVar:

NM_021922.3(FANCE):c.323C>T (p.Ser108Leu)

Gene: FANCE (FA complementation group E; plus strand). Cytogenetic location: 6p21.31.
Variant type: single nucleotide variant.
Coding change: c.323C>T on transcript NM_021922.3 (MANE Select); coding-DNA position 323, C replaced by T.
Protein change: p.Ser108Leu; replaces serine 108 with leucine.
Molecular consequence: missense variant.
Genome position (GRCh38, 1-based): chr6:35,455,821, C>T. VCF-style: chr6-35455821-C-T. GRCh37 (hg19) VCF-style: chr6-35423598-C-T.
Other names: c.323C>T, p.Ser108Leu (NM_001410876.1); short protein forms S108L.
Identifiers: ClinVar variation 4750933 (VCV004750933.1).
Genomic context (GRCh38, chr6:35,455,821, plus strand): 5'-TGCGATTGCCCCGGATATGCCAGAGGAACCTGATGTCCCTGCTGATGGCCGTTCGGCCAT[C>T]GCTGCCGGAAAGTGGGCTCCTCTCTGTGCTGCAGATTGCCCAGCAGGACCTAGCCCCTGA-3'
Protein context (NP_068741.1, residues 98-118): LMSLLMAVRP[Ser108Leu]LPESGLLSVL

ClinVar aggregate classification (germline): Uncertain significance (1 of 4 stars; one submission).

Conditions:
Fanconi anemia complementation group E (FANCE). Also called: FANCE-Related Fanconi Anemia. Identifiers: Orphanet 84, MedGen C3160739, MONDO:0010953, OMIM 600901.

gnomAD v4.1: 9 of 1,614,088 alleles (0.00056%); highest among the groups gnomAD compares: South Asian, 0.0033%; no homozygotes.

Submission:

Labcorp Genetics (formerly Invitae), Labcorp
Classification: Uncertain significance for Fanconi anemia complementation group E. Last evaluated: 2025-11-15. Review status: criteria provided, single submitter. Criteria: Invitae Variant Classification Sherloc (09022015). Collection method: clinical testing. Allele origin: germline.
Comment: This sequence change replaces serine, which is neutral and polar, with leucine, which is neutral and non-polar, at codon 108 of the FANCE protein (p.Ser108Leu). This variant is present in population databases (no rsID available, gnomAD 0.0009%). This variant has not been reported in the literature in individuals affected with FANCE-related conditions. Invitae Evidence Modeling of protein sequence and biophysical properties (such as structural, functional, and spatial information, amino acid conservation, physicochemical variation, residue mobility, and thermodynamic stability) indicates that this missense variant is not expected to disrupt FANCE protein function with a negative predictive value of 80%. In summary, the available evidence is currently insufficient to determine the role of this variant in disease. Therefore, it has been classified as a Variant of Uncertain Significance.